The following is an entry in ClinVar:

ClinVar aggregate classification (germline): Uncertain significance (1 of 4 stars; one submission).

Conditions:
Intellectual developmental disorder, X-linked, syndromic, Claes-Jensen type. Also called: Syndromic X-linked intellectual disability Claes-Jensen type; INTELLECTUAL DEVELOPMENTAL DISORDER, X-LINKED, SYNDROMIC 16; MENTAL RETARDATION, X-LINKED, SYNDROMIC 16. Identifiers: Orphanet 85279, MedGen C1845243, MONDO:0010355, OMIM 300534.

Allele frequency attached by ClinVar (database versions not stated): gnomAD exomes below 0.00001.
gnomAD v4.1: 1 of 1,178,861 alleles (0.000085%); highest among the groups gnomAD compares: Non-Finnish European, 0.00011%; no homozygotes.

Submission:

Genetics and Molecular Pathology, SA Pathology
Classification: Uncertain significance for Intellectual developmental disorder, X-linked, syndromic, Claes-Jensen type. Last evaluated: 2020-04-03. Review status: criteria provided, single submitter. Criteria: ACMG Guidelines, 2015. Collection method: clinical testing. Allele origin: germline. Affected: yes.
Comment: The KDM5C c.2624G>A variant is a single nucleotide change from a guanine to an adenine at position 2624 which is predicted to change the glycine at position 875 in the protein to aspartic acid. The variant has not been described in the literature to date. The variant has not been reported in dbSNP and is absent from population databases (PM2). The variant has not been reported in the ClinVar or HGMD disease databases. Computational predictions are conflicting: the residue is conserved but in silico tools predict a benign effect (neither BP4 or PP3 applied).

NM_004187.5(KDM5C):c.2624G>A (p.Gly875Asp)

Gene: KDM5C (lysine demethylase 5C; minus strand). Cytogenetic location: Xp11.22.
Variant type: single nucleotide variant.
Coding change: c.2624G>A on transcript NM_004187.5 (MANE Select); coding-DNA position 2624, G replaced by A.
Protein change: p.Gly875Asp; replaces glycine 875 with aspartic acid.
Molecular consequence: missense variant. On other transcripts: non-coding transcript variant (3).
Genome position (GRCh38, 1-based): chrX:53,197,043, C>T on the plus strand (G>A on the coding strand, the complement: KDM5C is on the minus strand). VCF-style: chrX-53197043-C-T. GRCh37 (hg19) VCF-style: chrX-53226225-C-T.
Other names: c.2423G>A, p.Gly808Asp (NM_001146702.2); c.2621G>A, p.Gly874Asp (NM_001282622.3, NM_001353979.2, NM_001353982.2); c.2624G>A, p.Gly875Asp (NM_001353978.3, NM_001353981.2, NM_001353984.2); short protein forms G808D, G874D, G875D.
Identifiers: ClinVar variation 1698758 (VCV001698758.2), dbSNP rs2146840102, ClinGen allele CA413114071.